The following is an entry in ClinVar:

ClinVar aggregate classification (germline): Uncertain significance (1 of 4 stars; one submission).

Allele frequency attached by ClinVar (database versions not stated): ExAC 0.00002; TOPMed 0.00002.
gnomAD v4.1: 8 of 1,613,802 alleles (0.0005%); highest among the groups gnomAD compares: Admixed American, 0.013%; no homozygotes.

Submission:

Labcorp Genetics (formerly Invitae), Labcorp
Classification: Uncertain significance. Last evaluated: 2025-07-21. Review status: criteria provided, single submitter. Criteria: Invitae Variant Classification Sherloc (09022015). Collection method: clinical testing. Allele origin: germline.
Comment: This sequence change replaces valine, which is neutral and non-polar, with alanine, which is neutral and non-polar, at codon 1791 of the MYH3 protein (p.Val1791Ala). This variant is present in population databases (rs776904877, gnomAD 0.02%). This variant has not been reported in the literature in individuals affected with MYH3-related conditions. ClinVar contains an entry for this variant (Variation ID: 2060465). Invitae Evidence Modeling of protein sequence and biophysical properties (such as structural, functional, and spatial information, amino acid conservation, physicochemical variation, residue mobility, and thermodynamic stability) indicates that this missense variant is not expected to disrupt MYH3 protein function with a negative predictive value of 95%. In summary, the available evidence is currently insufficient to determine the role of this variant in disease. Therefore, it has been classified as a Variant of Uncertain Significance.

NM_002470.4(MYH3):c.5372T>C (p.Val1791Ala)

Gene: MYH3 (myosin heavy chain 3; minus strand). Cytogenetic location: 17p13.1.
Variant type: single nucleotide variant.
Coding change: c.5372T>C on transcript NM_002470.4 (MANE Select); coding-DNA position 5372, T replaced by C.
Protein change: p.Val1791Ala; replaces valine 1791 with alanine.
Molecular consequence: missense variant.
Genome position (GRCh38, 1-based): chr17:10,630,373, A>G on the plus strand (T>C on the coding strand, the complement: MYH3 is on the minus strand). VCF-style: chr17-10630373-A-G. GRCh37 (hg19) VCF-style: chr17-10533690-A-G.
Other names: short protein forms V1791A.
Identifiers: ClinVar variation 2060465 (VCV002060465.4), dbSNP rs776904877, ClinGen allele CA8391950.